The following is an entry in ClinVar:

ClinVar aggregate classification (germline): Uncertain significance (1 of 4 stars; one submission).

Conditions:
TLK1-related disorder.

Submission:

3billion
Classification: Uncertain significance for TLK1-related disorder. Last evaluated: 2025-09-30. Review status: criteria provided, single submitter. Criteria: ACMG Guidelines, 2015. Collection method: clinical testing. Allele origin: germline. Affected: yes.
Comment: The variant is not observed in the gnomAD v4.1.0 dataset. Predicted Consequence/Location: Missense variant. Missense changes are a common disease-causing mechanism. Damaging effect on gene or gene product predicted by in silico programs is uncertain [REVEL: 0.43 (damaging >=0.6, benign <0.4), 3Cnet: 0.64 (damaging >0.75, benign <0.1)]. Therefore, this variant is classified as VUS according to the recommendation of ACMG/AMP guideline.

NM_012290.5(TLK1):c.1433A>G (p.Glu478Gly)

Gene: TLK1 (tousled like kinase 1; minus strand). Cytogenetic location: 2q31.1.
Variant type: single nucleotide variant.
Coding change: c.1433A>G on transcript NM_012290.5 (MANE Select); coding-DNA position 1433, A replaced by G.
Protein change: p.Glu478Gly; replaces glutamic acid 478 with glycine.
Molecular consequence: missense variant.
Genome position (GRCh38, 1-based): chr2:171,007,047, T>C on the plus strand (A>G on the coding strand, the complement: TLK1 is on the minus strand). VCF-style: chr2-171007047-T-C. GRCh37 (hg19) VCF-style: chr2-171863557-T-C.
Other names: c.1289A>G, p.Glu430Gly (NM_001136554.2); c.1145A>G, p.Glu382Gly (NM_001136555.2); short protein forms E382G, E430G, E478G.
Identifiers: ClinVar variation 4854013 (VCV004854013.1).